The following is an entry in ClinVar:

ClinVar aggregate classification (germline): Uncertain significance (1 of 4 stars; one submission).

Submission:

CeGaT Center for Human Genetics Tuebingen
Classification: Uncertain significance. Last evaluated: 2025-06-01. Review status: criteria provided, single submitter. Criteria: CeGaT Center For Human Genetics Tuebingen Variant Classification Criteria Version 2. Collection method: clinical testing. Allele origin: germline. Affected: yes. Observed: 1 variant allele.
Comment: EGR2: PM2

NM_000399.5(EGR2):c.45T>G (p.Ser15Arg)

Gene: EGR2 (early growth response 2; minus strand). Cytogenetic location: 10q21.3.
Variant type: single nucleotide variant.
Coding change: c.45T>G on transcript NM_000399.5 (MANE Select); coding-DNA position 45, T replaced by G.
Protein change: p.Ser15Arg; replaces serine 15 with arginine.
Molecular consequence: missense variant. On other transcripts: intron variant (3).
Genome position (GRCh38, 1-based): chr10:62,815,985, A>C on the plus strand (T>G on the coding strand, the complement: EGR2 is on the minus strand). VCF-style: chr10-62815985-A-C. GRCh37 (hg19) VCF-style: chr10-64575745-A-C.
Other names: c.45T>G, p.Ser15Arg (NM_001136177.3, NM_001136178.2); c.100-16T>G (NM_001410931.1); c.-90-16T>G (NM_001321037.2, NM_001136179.3); short protein forms S15R.
Identifiers: ClinVar variation 3906032 (VCV003906032.10).